The following is an entry in ClinVar:

ClinVar aggregate classification (germline): Pathogenic. Review status: criteria provided, single submitter (1 of 4 stars). 2 submissions from 2 submitters: Pathogenic (1). 1 of the submissions does not count toward it. Last evaluated 2025-03-18.

Conditions:
Hypotonia, infantile, with psychomotor retardation and characteristic facies 2 (IHPRF2). Also called: UNC80 Deficiency. Identifiers: Orphanet 371364, Orphanet 700333, MedGen C4225203, MONDO:0014777, OMIM 616801.

Allele frequency attached by ClinVar (database versions not stated): TOPMed below 0.00001.
gnomAD v4.1: 3 of 1,551,578 alleles (0.00019%); highest among the groups gnomAD compares: South Asian, 0.0024%; no homozygotes.

Submissions (2):

GeneDx
Classification: Pathogenic. Last evaluated: 2025-03-18. Review status: criteria provided, single submitter. Criteria: GeneDx Variant Classification Process June 2021. Collection method: clinical testing. Allele origin: germline. Affected: yes.
Comment: Nonsense variant predicted to result in protein truncation or nonsense mediated decay in a gene for which loss of function is a known mechanism of disease; Not observed at significant frequency in large population cohorts (gnomAD); This variant is associated with the following publications: (PMID: 30167850)

Yale Center for Mendelian Genomics, Yale University
Classification: Pathogenic for Hypotonia, infantile, with psychomotor retardation and characteristic facies 2. Last evaluated: 2018-08-23. Review status: no assertion criteria provided. Collection method: literature only. Allele origin: germline. Affected: yes. Observed: 1 homozygote. Not counted in ClinVar's aggregate classification.

Literature cited by the submitters: PubMed 30167850 (cited by Yale Center for Mendelian Genomics, Yale University).

NM_001371986.1(UNC80):c.8314C>T (p.Arg2772Ter)

Gene: UNC80 (unc-80 subunit of NALCN channel complex; plus strand). Cytogenetic location: 2q34.
Variant type: single nucleotide variant.
Coding change: c.8314C>T on transcript NM_001371986.1 (MANE Select); coding-DNA position 8314, C replaced by T.
Protein change: p.Arg2772Ter; replaces arginine 2772 with a stop codon.
Molecular consequence: nonsense.
Genome position (GRCh38, 1-based): chr2:209,972,258, C>T. VCF-style: chr2-209972258-C-T. GRCh37 (hg19) VCF-style: chr2-210836982-C-T.
Other names: c.8116C>T, p.Arg2706Ter (NM_032504.2); c.8101C>T, p.Arg2701Ter (NM_182587.4); short protein forms R2701*, R2706*, R2772*.
Identifiers: ClinVar variation 684712 (VCV000684712.2), dbSNP rs1575183610, ClinGen allele CA350412941.
Genomic context (GRCh38, chr2:209,972,258, plus strand): 5'-CAGGCTTTAAAAGAAGATTTTCCTTTAAGCCATGTGATCTCCCCATTCACCAATCAAGAG[C>T]GAAGGGAGGGGATGCTTTTAAATCTGCTCATCCCATTTGTGCTCACAGTAGGATCTGGAA-3'